The following is an entry in ClinVar:

ClinVar aggregate classification (germline): Uncertain significance (1 of 4 stars; one submission).

Allele frequency attached by ClinVar (database versions not stated): gnomAD exomes below 0.00001.
gnomAD v4.1: 4 of 1,614,176 alleles (0.00025%); highest among the groups gnomAD compares: Non-Finnish European, 0.00034%; no homozygotes.

Submission:

GeneDx
Classification: Uncertain significance. Last evaluated: 2026-01-06. Review status: criteria provided, single submitter. Criteria: GeneDx Variant Classification Process June 2021. Collection method: clinical testing. Allele origin: germline. Affected: yes.
Comment: Not observed at significant frequency in large population cohorts (gnomAD); In silico analysis supports that this missense variant has a deleterious effect on protein structure/function; This variant is associated with the following publications: (PMID: 28191890, 25533962, 28135719, 31785789, 35982159, 33057194)

NM_015215.4(CAMTA1):c.3403C>T (p.Arg1135Trp)

Gene: CAMTA1 (calmodulin binding transcription activator 1; plus strand). Cytogenetic location: 1p36.23.
Variant type: single nucleotide variant.
Coding change: c.3403C>T on transcript NM_015215.4 (MANE Select); coding-DNA position 3403, C replaced by T.
Protein change: p.Arg1135Trp; replaces arginine 1135 with tryptophan.
Molecular consequence: missense variant.
Genome position (GRCh38, 1-based): chr1:7,737,315, C>T. VCF-style: chr1-7737315-C-T. GRCh37 (hg19) VCF-style: chr1-7797375-C-T.
Other names: c.3313C>T, p.Arg1105Trp (NM_001349608.2, NM_001349612.2); c.3403C>T, p.Arg1135Trp (NM_001349609.2, NM_001349610.2); c.532C>T, p.Arg178Trp (NM_001349613.1); c.475C>T, p.Arg159Trp (NM_001349614.1, NM_001349615.2, NM_001349616.2 and 10 more transcripts); short protein forms R1105W, R1135W, R159W, R178W.
Identifiers: ClinVar variation 1308267 (VCV001308267.5), dbSNP rs2096779922, ClinGen allele CA338125977.